The following is an entry in ClinVar:

ClinVar aggregate classification (germline): Uncertain significance. Review status: criteria provided, multiple submitters, no conflicts (2 of 4 stars). 2 submissions from 2 submitters: Uncertain significance (2). Last evaluated 2023-09-20.

Conditions:
Inborn genetic diseases. Identifiers: MedGen C0950123, MeSH D030342.

Submissions (2):

Ambry Genetics
Classification: Uncertain significance for Inborn genetic diseases. Last evaluated: 2023-09-20. Review status: criteria provided, single submitter. Criteria: Ambry Variant Classification Scheme 2023. Collection method: clinical testing. Allele origin: germline.

Labcorp Genetics (formerly Invitae), Labcorp
Classification: Uncertain significance. Last evaluated: 2022-04-16. Review status: criteria provided, single submitter. Criteria: Invitae Variant Classification Sherloc (09022015). Collection method: clinical testing. Allele origin: germline.
Comment: Experimental studies and prediction algorithms are not available or were not evaluated, and the effect of this variant on mRNA splicing is currently unknown. In summary, the available evidence is currently insufficient to determine the role of this variant in disease. Therefore, it has been classified as a Variant of Uncertain Significance. This variant has not been reported in the literature in individuals affected with COL18A1-related conditions. This variant is not present in population databases (gnomAD no frequency). This sequence change replaces tyrosine, which is neutral and polar, with cysteine, which is neutral and slightly polar, at codon 1140 of the COL18A1 protein (p.Tyr1140Cys).

NM_001379500.1(COL18A1):c.3428A>G (p.Tyr1143Cys)

Genes: COL18A1 (collagen type XVIII alpha 1 chain; plus strand), SLC19A1 (solute carrier family 19 member 1; minus strand). Cytogenetic location: 21q22.3.
Variant type: single nucleotide variant.
Coding change: c.3428A>G on transcript NM_001379500.1 (MANE Select); coding-DNA position 3428, A replaced by G.
Protein change: p.Tyr1143Cys; replaces tyrosine 1143 with cysteine.
Molecular consequence: missense variant.
Genome position (GRCh38, 1-based): chr21:45,509,534, A>G. VCF-style: chr21-45509534-A-G. GRCh37 (hg19) VCF-style: chr21-46929448-A-G.
Other names: NM_130445.2:c.3419A>G; c.3959A>G, p.Tyr1320Cys (NM_030582.4); c.4664A>G, p.Tyr1555Cys (NM_130444.3); short protein forms Y1320C, Y1555C, Y1143C.
Identifiers: ClinVar variation 2126645 (VCV002126645.5), dbSNP rs2517847859, ClinGen allele CA410501052.